The following is an entry in ClinVar:

ClinVar aggregate classification (germline): Uncertain significance (1 of 4 stars; one submission).

gnomAD v4.1: 3 of 1,613,658 alleles (0.00019%); highest among the groups gnomAD compares: Non-Finnish European, 0.00025%; no homozygotes.

Submission:

Labcorp Genetics (formerly Invitae), Labcorp
Classification: Uncertain significance. Last evaluated: 2021-08-03. Review status: criteria provided, single submitter. Criteria: Invitae Variant Classification Sherloc (09022015). Collection method: clinical testing. Allele origin: germline.
Comment: In summary, the available evidence is currently insufficient to determine the role of this variant in disease. Therefore, it has been classified as a Variant of Uncertain Significance. Advanced modeling of protein sequence and biophysical properties (such as structural, functional, and spatial information, amino acid conservation, physicochemical variation, residue mobility, and thermodynamic stability) performed at Invitae indicates that this missense variant is not expected to disrupt DCHS1 protein function. This variant has not been reported in the literature in individuals affected with DCHS1-related conditions. This variant is not present in population databases (ExAC no frequency). This sequence change replaces isoleucine with valine at codon 2229 of the DCHS1 protein (p.Ile2229Val). The isoleucine residue is highly conserved and there is a small physicochemical difference between isoleucine and valine.

NM_003737.4(DCHS1):c.6685A>G (p.Ile2229Val)

Gene: DCHS1 (dachsous cadherin-related 1; minus strand). Cytogenetic location: 11p15.4.
Variant type: single nucleotide variant.
Coding change: c.6685A>G on transcript NM_003737.4 (MANE Select); coding-DNA position 6685, A replaced by G.
Protein change: p.Ile2229Val; replaces isoleucine 2229 with valine.
Molecular consequence: missense variant.
Genome position (GRCh38, 1-based): chr11:6,625,966, T>C on the plus strand (A>G on the coding strand, the complement: DCHS1 is on the minus strand). VCF-style: chr11-6625966-T-C. GRCh37 (hg19) VCF-style: chr11-6647197-T-C.
Other names: short protein forms I2229V.
Identifiers: ClinVar variation 1361302 (VCV001361302.6), dbSNP rs748941825, ClinGen allele CA217330483.